The following is an entry in ClinVar:

NM_000238.4(KCNH2):c.3399A>G (p.Thr1133=)

Gene: KCNH2 (potassium voltage-gated channel subfamily H member 2; minus strand). Cytogenetic location: 7q36.1.
Variant type: single nucleotide variant.
Coding change: c.3399A>G on transcript NM_000238.4 (MANE Select); coding-DNA position 3399, A replaced by G.
Protein change: p.Thr1133=; no amino-acid change (threonine 1133 retained).
Molecular consequence: synonymous variant.
Genome position (GRCh38, 1-based): chr7:150,945,446, T>C on the plus strand (A>G on the coding strand, the complement: KCNH2 is on the minus strand). VCF-style: chr7-150945446-T-C. GRCh37 (hg19) VCF-style: chr7-150642534-T-C.
Other names: c.2379A>G, p.Thr793= (NM_172057.3).
Identifiers: ClinVar variation 629696 (VCV000629696.39), dbSNP rs746102465, ClinGen allele CA038895.
Genomic context (GRCh38, chr7:150,945,446, plus strand): 5'-GTGTCTGTGCAGGGGCTGGGAGGTGAGGGCCCCCAGCTGGCCCGGTAGGGAGAGGCGTCG[T>C]GTGGGGCCTTCTTGGGGAAGCTCTGGGGCCCCCGGGGGCAGCTCCTCACACGCCATGAAC-3'
Protein context (NP_000229.1, residues 1123-1143): GAPELPQEGP[Thr1133=]RRLSLPGQLG

ClinVar aggregate classification (germline): Likely benign. Review status: criteria provided, multiple submitters, no conflicts (2 of 4 stars). 5 submissions from 5 submitters: Likely benign (5). Last evaluated 2025-05-28.

Conditions:
Long QT syndrome (LQTS). Identifiers: MedGen C0023976, MeSH D008133, MONDO:0002442. Disease mechanism: loss of function. Inheritance: Various modes of inheritance.
Cardiac arrhythmia. Also called: Arrhythmia; Cardiac rhythm disease. Identifiers: MedGen C0003811, MONDO:0007263, HP:0011675.

Allele frequency attached by ClinVar (database versions not stated): TOPMed below 0.00001; gnomAD exomes 0.00001; ExAC 0.00004.
gnomAD v4.1: 9 of 1,565,904 alleles (0.00057%); highest among the groups gnomAD compares: Middle Eastern, 0.05%; no homozygotes.

Submissions (5):

Labcorp Genetics (formerly Invitae), Labcorp
Classification: Likely benign for Long QT syndrome. Last evaluated: 2025-05-28. Review status: criteria provided, single submitter. Criteria: Invitae Variant Classification Sherloc (09022015). Collection method: clinical testing. Allele origin: germline.

All of Us Research Program, National Institutes of Health
Classification: Likely benign for Long QT syndrome. Last evaluated: 2024-05-30. Review status: criteria provided, single submitter. Criteria: ACMG Guidelines, 2015. Collection method: clinical testing. Allele origin: germline. Inheritance: Autosomal dominant inheritance. Observed: 3 variant alleles, 3 heterozygotes.
Comment: This study involves interpretation of variants in research participants for the purpose of population health screening. Participant phenotype was not available at the time of variant classification. Additional details can be found in publication PMID: 35346344, PMCID: PMC8962531

CeGaT Center for Human Genetics Tuebingen
Classification: Likely benign. Last evaluated: 2023-08-01. Review status: criteria provided, single submitter. Criteria: CeGaT Center For Human Genetics Tuebingen Variant Classification Criteria Version 2. Collection method: clinical testing. Allele origin: germline. Affected: yes. Observed: 1 variant allele.
Comment: KCNH2: BP4, BP7

Blueprint Genetics
Classification: Likely benign. Last evaluated: 2019-07-26. Review status: criteria provided, single submitter. Criteria: ACMG Guidelines, 2015. Collection method: clinical testing. Allele origin: germline.

Color Diagnostics, LLC DBA Color Health
Classification: Likely benign for Arrhythmia. Last evaluated: 2018-10-17. Review status: criteria provided, single submitter. Criteria: ACMG Guidelines, 2015. Collection method: clinical testing. Allele origin: germline.